The following is an entry in ClinVar:

NM_005534.4(IFNGR2):c.561+11C>G

Gene: IFNGR2 (interferon gamma receptor 2; plus strand). Cytogenetic location: 21q22.11.
Variant type: single nucleotide variant.
Coding change: c.561+11C>G on transcript NM_005534.4 (MANE Select); 11 bases into the intron after coding-DNA position 561, C replaced by G.
Molecular consequence: intron variant.
Genome position (GRCh38, 1-based): chr21:33,427,043, C>G. VCF-style: chr21-33427043-C-G. GRCh37 (hg19) VCF-style: chr21-34799350-C-G.
Other names: c.618+11C>G (NM_001329128.2).
Identifiers: ClinVar variation 402963 (VCV000402963.20), dbSNP rs11910627, ClinGen allele CA10006965.

ClinVar aggregate classification (germline): Benign/Likely benign. Review status: criteria provided, multiple submitters, no conflicts (2 of 4 stars). 7 submissions from 7 submitters: Benign (6); Likely benign (1). Last evaluated 2026-02-04.

Conditions:
Immunodeficiency 28 (IMD28). Also called: IFNGR2 DEFICIENCY. Identifiers: Orphanet 319547, Orphanet 319574, MedGen C4013947, MONDO:0013953, OMIM 614889.

Allele frequency attached by ClinVar (database versions not stated): gnomAD 0.77154 and 0.77408; TOPMed 0.78060; 1000 Genomes Project 30x 0.84119; 1000 Genomes Project 0.84225; ESP Exome Variant Server 0.75219; ExAC 0.76422; gnomAD exomes 0.76853.
gnomAD v4.1: 1,169,700 of 1,605,584 alleles (73%); highest among the groups gnomAD compares: East Asian, 98%; 430,378 homozygotes.

Submissions (7):

Labcorp Genetics (formerly Invitae), Labcorp
Classification: Benign for Immunodeficiency 28. Last evaluated: 2026-02-04. Review status: criteria provided, single submitter. Criteria: Invitae Variant Classification Sherloc (09022015). Collection method: clinical testing. Allele origin: germline.

Blueprint Genetics
Classification: Likely benign. Last evaluated: 2024-11-28. Review status: criteria provided, single submitter. Criteria: ACMG Guidelines, 2015. Collection method: clinical testing. Allele origin: germline.

Unidad de Genómica Garrahan, Hospital de Pediatría Garrahan
Classification: Benign. Last evaluated: 2024-01-24. Review status: criteria provided, single submitter. Criteria: ACMG Guidelines, 2015. Collection method: clinical testing. Allele origin: germline. Affected: no. Observed: 81 variant alleles.
Comment: This variant is classified as Benign based on local population frequency. This variant was detected in 92% of patients studied by a panel of primary immunodeficiencies. Number of patients: 81. Only high quality variants are reported.

Genome-Nilou Lab
Classification: Benign for Immunodeficiency 28. Last evaluated: 2021-08-10. Review status: criteria provided, single submitter. Criteria: ACMG Guidelines, 2015. Collection method: clinical testing. Allele origin: germline. Affected: no.

GeneDx
Classification: Benign. Last evaluated: 2018-11-12. Review status: criteria provided, single submitter. Criteria: GeneDx Variant Classification Process June 2021. Collection method: clinical testing. Allele origin: germline. Affected: yes.

Laboratory for Molecular Medicine, Mass General Brigham Personalized Medicine
Classification: Benign. Last evaluated: 2016-03-29. Review status: criteria provided, single submitter. Criteria: LMM Criteria. Collection method: clinical testing. Allele origin: germline.
Comment: Variant identified in a genome or exome case(s) and assessed due to predicted null impact of the variant or pathogenic assertions in the literature or databases. Disclaimer: This variant has not undergone full assessment. The following are preliminary notes: Frequency

Breakthrough Genomics
Classification: Benign. Review status: criteria provided, single submitter. Criteria: ACMG Guidelines, 2015. Collection method: not provided. Allele origin: germline. Inheritance: Autosomal recessive inheritance. Affected: yes.